The following is an entry in ClinVar:

ClinVar aggregate classification (germline): Conflicting classifications of pathogenicity. Review status: criteria provided, conflicting classifications (1 of 4 stars). 4 submissions from 4 submitters: Uncertain significance (3); Benign (1). Last evaluated 2025-12-03.

Conditions:
Retinal dystrophy. Also called: Inherited retinal dystrophy. Identifiers: Orphanet 71862, MedGen C0854723, MeSH D058499, MONDO:0019118, HP:0000556.

Allele frequency attached by ClinVar (database versions not stated): 1000 Genomes Project 30x 0.00016; 1000 Genomes Project 0.00020; gnomAD 0.00002 and 0.00003; ExAC 0.00010; TOPMed 0.00005; gnomAD exomes 0.00011.
gnomAD v4.1: 49 of 1,578,010 alleles (0.0031%); highest among the groups gnomAD compares: East Asian, 0.047%; no homozygotes.

Submissions (4):

Labcorp Genetics (formerly Invitae), Labcorp
Classification: Uncertain significance. Last evaluated: 2025-12-03. Review status: criteria provided, single submitter. Criteria: Invitae Variant Classification Sherloc (09022015). Collection method: clinical testing. Allele origin: germline.
Comment: This sequence change replaces alanine, which is neutral and non-polar, with valine, which is neutral and non-polar, at codon 10 of the GUCA1B protein (p.Ala10Val). This variant is present in population databases (rs555181489, gnomAD 0.05%), and has an allele count higher than expected for a pathogenic variant. This variant has not been reported in the literature in individuals affected with GUCA1B-related conditions. ClinVar contains an entry for this variant (Variation ID: 1428985). An algorithm developed to predict the effect of missense changes on protein structure and function outputs the following: PolyPhen-2: "Benign". The valine amino acid residue is found in multiple mammalian species, which suggests that this missense change does not adversely affect protein function. In summary, the available evidence is currently insufficient to determine the role of this variant in disease. Therefore, it has been classified as a Variant of Uncertain Significance.

Dasa
Classification: Uncertain significance. Last evaluated: 2025-03-10. Review status: criteria provided, single submitter. Criteria: DASA Assertion Criteria. Collection method: clinical testing. Allele origin: germline.
Comment: NM_002098.6(GUCA1B):c.29C>T (p.Ala10Val) is a missense variant that results in the substitution of alanine with valine. This variant is rare in population databases. Computational prediction algorithms are consistent with a benign effect. The currently available literature and clinical evidence are not sufficient to establish a definitive association between this variant and the reported condition. Therefore, this variant is classified as a variant of uncertain significance.

Ambry Genetics
Classification: Uncertain significance. Last evaluated: 2024-02-05. Review status: criteria provided, single submitter. Criteria: Ambry Variant Classification Scheme 2023. Collection method: clinical testing. Allele origin: germline.

Dept Of Ophthalmology, Nagoya University
Classification: Benign for Retinal dystrophy. Last evaluated: 2023-10-01. Review status: criteria provided, single submitter. Criteria: Submitter's publication. Collection method: research. Allele origin: germline. Affected: yes.

NM_002098.6(GUCA1B):c.29C>T (p.Ala10Val)

Gene: GUCA1B (guanylate cyclase activator 1B; minus strand). Cytogenetic location: 6p21.1.
Variant type: single nucleotide variant.
Coding change: c.29C>T on transcript NM_002098.6 (MANE Select); coding-DNA position 29, C replaced by T.
Protein change: p.Ala10Val; replaces alanine 10 with valine.
Molecular consequence: missense variant.
Genome position (GRCh38, 1-based): chr6:42,194,792, G>A on the plus strand (C>T on the coding strand, the complement: GUCA1B is on the minus strand). VCF-style: chr6-42194792-G-A. GRCh37 (hg19) VCF-style: chr6-42162530-G-A.
Other names: c.29C>T (NM_002098.5); short protein forms A10V.
Identifiers: ClinVar variation 1428985 (VCV001428985.10), dbSNP rs555181489, ClinGen allele CA3805669.